The following is an entry in ClinVar:

ClinVar aggregate classification (germline): Uncertain significance (1 of 4 stars; one submission).

Conditions:
Cardiovascular phenotype. Identifiers: MedGen CN230736.

Submission:

Ambry Genetics
Classification: Uncertain significance for Cardiovascular phenotype. Last evaluated: 2024-12-17. Review status: criteria provided, single submitter. Criteria: Ambry Variant Classification Scheme 2023. Collection method: clinical testing. Allele origin: germline.
Comment: The p.S474R variant (also known as c.1422C>A), located in coding exon 4 of the KCND3 gene, results from a C to A substitution at nucleotide position 1422. The serine at codon 474 is replaced by arginine, an amino acid with dissimilar properties. This amino acid position is conserved. In addition, the in silico prediction for this alteration is inconclusive. Based on the available evidence, the clinical significance of this variant remains unclear.

NM_001378969.1(KCND3):c.1422C>A (p.Ser474Arg)

Gene: KCND3 (potassium voltage-gated channel subfamily D member 3; minus strand). Cytogenetic location: 1p13.2.
Variant type: single nucleotide variant.
Coding change: c.1422C>A on transcript NM_001378969.1 (MANE Select); coding-DNA position 1422, C replaced by A.
Protein change: p.Ser474Arg; replaces serine 474 with arginine.
Molecular consequence: missense variant.
Genome position (GRCh38, 1-based): chr1:111,780,264, G>T on the plus strand (C>A on the coding strand, the complement: KCND3 is on the minus strand). VCF-style: chr1-111780264-G-T. GRCh37 (hg19) VCF-style: chr1-112322886-G-T.
Other names: c.1422C>A, p.Ser474Arg (NM_001378970.1, NM_004980.5, NM_172198.3); short protein forms S474R.
Identifiers: ClinVar variation 3862694 (VCV003862694.1).